The following is an entry in ClinVar:

ClinVar aggregate classification (germline): Conflicting classifications of pathogenicity. Review status: criteria provided, conflicting classifications (1 of 4 stars). 2 submissions from 2 submitters: Uncertain significance (1); Likely benign (1). Last evaluated 2020-05-18.

Allele frequency attached by ClinVar (database versions not stated): gnomAD 0.00004 and 0.00005; TOPMed 0.00005; ExAC 0.00009; gnomAD exomes 0.00010.
gnomAD v4.1: 127 of 1,597,514 alleles (0.0079%); highest among the groups gnomAD compares: Middle Eastern, 0.13%; 2 homozygotes.

Submissions (2):

GeneDx
Classification: Likely benign. Last evaluated: 2020-05-18. Review status: criteria provided, single submitter. Criteria: GeneDx Variant Classification Process June 2021. Collection method: clinical testing. Allele origin: germline. Affected: yes.
Comment: This variant is associated with the following publications: (PMID: 21642240)

Laboratory for Molecular Medicine, Mass General Brigham Personalized Medicine
Classification: Uncertain significance. Last evaluated: 2015-10-01. Review status: criteria provided, single submitter. Criteria: LMM Criteria. Collection method: clinical testing. Allele origin: germline. Observed: 1 variant allele.
Comment: In vitro functional studies provide some evidence that the p.Ser307Thr variant may impact protein function (Rodriguez 2011). However, these types of assays may not accurately represent biological function. This variant has been identified in 6/13026 South Asian chromosomes by the Exome Aggregation Consortium (ExAC). Computational prediction tools and conservation anal ysis suggest that the p.Ser307Thr variant may not impact the protein, though thi s information is not predictive enough to rule out pathogenicity. In summary, t he clinical significance of the p.Ser307Thr variant is uncertain.

Literature cited by the submitters: PubMed 21642240 (cited by Laboratory for Molecular Medicine, Mass General Brigham Personalized Medicine).

NM_001018116.2(CAVIN4):c.920G>C (p.Ser307Thr)

Gene: CAVIN4 (caveolae associated protein 4; plus strand). Cytogenetic location: 9q31.1.
Variant type: single nucleotide variant.
Coding change: c.920G>C on transcript NM_001018116.2 (MANE Select); coding-DNA position 920, G replaced by C.
Protein change: p.Ser307Thr; replaces serine 307 with threonine.
Molecular consequence: missense variant.
Genome position (GRCh38, 1-based): chr9:100,586,276, G>C. VCF-style: chr9-100586276-G-C. GRCh37 (hg19) VCF-style: chr9-103348558-G-C.
Other names: short protein forms S307T.
Identifiers: ClinVar variation 228863 (VCV000228863.6), dbSNP rs751703046, ClinGen allele CA5160189.
Genomic context (GRCh38, chr9:100,586,276, plus strand): 5'-AATGTGCCAGGGAGATGGGTGTGGACATCATTGCCAGGAGCGAGTCTCTGGGCCCCATCA[G>C]TGAGCTCTACTCTGATGAGCTCAGTGAACCAGAACACGAGGCAGCCAGGCCGGTGTATCC-3'
Protein context (NP_001018126.1, residues 297-317): IARSESLGPI[Ser307Thr]ELYSDELSEP